The following is an entry in ClinVar:

NM_001080467.3(MYO5B):c.2223T>G (p.Phe741Leu)

Gene: MYO5B (myosin VB; minus strand). Cytogenetic location: 18q21.1.
Variant type: single nucleotide variant.
Coding change: c.2223T>G on transcript NM_001080467.3 (MANE Select); coding-DNA position 2223, T replaced by G.
Protein change: p.Phe741Leu; replaces phenylalanine 741 with leucine.
Molecular consequence: missense variant.
Genome position (GRCh38, 1-based): chr18:49,906,610, A>C on the plus strand (T>G on the coding strand, the complement: MYO5B is on the minus strand). VCF-style: chr18-49906610-A-C. GRCh37 (hg19) VCF-style: chr18-47432980-A-C.
Other names: short protein forms F741L.
Identifiers: ClinVar variation 327049 (VCV000327049.8), dbSNP rs199963863, ClinGen allele CA8961152.

ClinVar aggregate classification (germline): Uncertain significance. Review status: criteria provided, multiple submitters, no conflicts (2 of 4 stars). 4 submissions from 4 submitters: Uncertain significance (4). Last evaluated 2024-10-09.

Conditions:
Inborn genetic diseases. Identifiers: MedGen C0950123, MeSH D030342.
Congenital microvillous atrophy (DIAR2). Also called: Microvillus inclusion disease; MICROVILLUS ATROPHY, CONGENITAL; CONGENITAL FAMILIAL PROTRACTED DIARRHEA WITH ENTEROCYTE BRUSH-BORDER ABNORMALITIES; DAVIDSON DISEASE; Diarrhea 2 with microvillus atrophy, with or without cholestasis. Identifiers: Orphanet 2290, MedGen C0341306, MONDO:0009635, OMIM 251850.
MYO5B-related disorder. Also called: MYO5B-related condition.

Allele frequency attached by ClinVar (database versions not stated): TOPMed 0.00001; gnomAD exomes 0.00002 and 0.00006; gnomAD 0.00003; ExAC 0.00004.
gnomAD v4.1: 37 of 1,613,876 alleles (0.0023%); highest among the groups gnomAD compares: Admixed American, 0.0017%; no homozygotes.

Submissions (4):

PreventionGenetics, part of Exact Sciences
Classification: Uncertain significance for MYO5B-related condition. Last evaluated: 2024-10-09. Review status: criteria provided, single submitter. Criteria: ACMG Guidelines, 2015. Collection method: clinical testing. Allele origin: germline.
Comment: The MYO5B c.2223T>G variant is predicted to result in the amino acid substitution p.Phe741Leu. To our knowledge, this variant has not been reported in the literature. This variant is reported in 0.14% of alleles in individuals of Ashkenazi Jewish descent in gnomAD, which may be too frequent to be a primary cause of disease. Although we suspect that this variant may be benign, at this time, the clinical significance of this variant is uncertain due to the absence of conclusive functional and genetic evidence.

Ambry Genetics
Classification: Uncertain significance for Inborn genetic diseases. Last evaluated: 2024-06-17. Review status: criteria provided, single submitter. Criteria: Ambry Variant Classification Scheme 2023. Collection method: clinical testing. Allele origin: germline.

Labcorp Genetics (formerly Invitae), Labcorp
Classification: Uncertain significance. Last evaluated: 2022-03-12. Review status: criteria provided, single submitter. Criteria: Invitae Variant Classification Sherloc (09022015). Collection method: clinical testing. Allele origin: germline.
Comment: This sequence change replaces phenylalanine, which is neutral and non-polar, with leucine, which is neutral and non-polar, at codon 741 of the MYO5B protein (p.Phe741Leu). This variant is present in population databases (rs199963863, gnomAD 0.1%). This variant has not been reported in the literature in individuals affected with MYO5B-related conditions. ClinVar contains an entry for this variant (Variation ID: 327049). Algorithms developed to predict the effect of missense changes on protein structure and function are either unavailable or do not agree on the potential impact of this missense change (SIFT: "Deleterious"; PolyPhen-2: "Benign"; Align-GVGD: "Class C0"). In summary, the available evidence is currently insufficient to determine the role of this variant in disease. Therefore, it has been classified as a Variant of Uncertain Significance.

Illumina Laboratory Services, Illumina
Classification: Uncertain significance for Congenital microvillous atrophy. Last evaluated: 2018-01-13. Review status: criteria provided, single submitter. Criteria: ICSL Variant Classification Criteria 13 December 2019. Collection method: clinical testing. Allele origin: germline.